The following is an entry in ClinVar:

NM_198334.3(GANAB):c.2717A>G (p.Gln906Arg)

Gene: GANAB (glucosidase II alpha subunit; minus strand). Cytogenetic location: 11q12.3.
Variant type: single nucleotide variant.
Coding change: c.2717A>G on transcript NM_198334.3 (MANE Select); coding-DNA position 2717, A replaced by G.
Protein change: p.Gln906Arg; replaces glutamine 906 with arginine.
Molecular consequence: missense variant.
Genome position (GRCh38, 1-based): chr11:62,626,073, T>C on the plus strand (A>G on the coding strand, the complement: GANAB is on the minus strand). VCF-style: chr11-62626073-T-C. GRCh37 (hg19) VCF-style: chr11-62393545-T-C.
Other names: c.2441A>G, p.Gln814Arg (NM_001278192.2); c.2375A>G, p.Gln792Arg (NM_001278193.2); c.2426A>G, p.Gln809Arg (NM_001278194.2, NM_001329222.2, NM_001329223.2); c.1994A>G, p.Gln665Arg (NM_001329224.2, NM_001329225.2); c.2783A>G, p.Gln928Arg (NM_198335.4); short protein forms Q665R, Q792R, Q809R, Q814R, Q906R, Q928R.
Identifiers: ClinVar variation 1050042 (VCV001050042.1), dbSNP rs2134454930, ClinGen allele CA380985131.

ClinVar aggregate classification (germline): Uncertain significance (0 of 4 stars; one submission).

Allele frequency attached by ClinVar (database versions not stated): gnomAD exomes below 0.00001.
gnomAD v4.1: 5 of 1,611,538 alleles (0.00031%); highest among the groups gnomAD compares: Non-Finnish European, 0.00034%; no homozygotes.

Submission:

Department of Pathology and Laboratory Medicine, Sinai Health System
Classification: Uncertain significance. Review status: no assertion criteria provided. Collection method: clinical testing. Allele origin: unknown. Affected: yes. Study: The Canadian Open Genetics Repository (COGR).
Comment: The GANAB p.Gln906Arg variant was not identified in the literature nor was it identified in dbSNP, ClinVar, Cosmic or LOVD 3.0. The variant was not identified in the following control databases: the 1000 Genomes Project, the NHLBI GO Exome Sequencing Project, the Exome Aggregation Consortium (August 8th 2016), or the Genome Aggregation Database (Feb 27, 2017). The variant occurs outside of the splicing consensus sequence and 3 of 4 in silico or computational prediction software programs (MaxEntScan, NNSPLICE, GeneSplicer) do not predict a difference in splicing.The p.Gln906 residue is conserved in mammals but not in more distantly related organisms and computational analyses (PolyPhen-2, SIFT, AlignGVGD, BLOSUM, MutationTaster) do not suggest a high likelihood of impact to the protein; this information is not predictive enough to rule out pathogenicity. In summary, based on the above information the clinical significance of this variant cannot be determined with certainty at this time. This variant is classified as a variant of uncertain significance.